The following is an entry in ClinVar:

ClinVar aggregate classification (germline): Conflicting classifications of pathogenicity. Review status: criteria provided, conflicting classifications (1 of 4 stars). 2 submissions from 2 submitters: Uncertain significance (1); Benign (1). Last evaluated 2024-03-25.

Allele frequency attached by ClinVar (database versions not stated): gnomAD exomes 0.00004 and 0.00009; ExAC 0.00005; gnomAD 0.00005; TOPMed 0.00006.
gnomAD v4.1: 69 of 1,614,060 alleles (0.0043%); highest among the groups gnomAD compares: Non-Finnish European, 0.00093%; no homozygotes.

Submissions (2):

Blueprint Genetics
Classification: Benign. Last evaluated: 2024-03-25. Review status: criteria provided, single submitter. Criteria: ACMG Guidelines, 2015. Collection method: clinical testing. Allele origin: germline.

Labcorp Genetics (formerly Invitae), Labcorp
Classification: Uncertain significance. Last evaluated: 2024-02-17. Review status: criteria provided, single submitter. Criteria: Invitae Variant Classification Sherloc (09022015). Collection method: clinical testing. Allele origin: germline.
Comment: This sequence change replaces threonine, which is neutral and polar, with proline, which is neutral and non-polar, at codon 103 of the ARSG protein (p.Thr103Pro). This variant is present in population databases (rs201521929, gnomAD 0.2%). This variant has not been reported in the literature in individuals affected with ARSG-related conditions. ClinVar contains an entry for this variant (Variation ID: 1432266). Algorithms developed to predict the effect of missense changes on protein structure and function output the following: SIFT: "Not Available"; PolyPhen-2: "Benign"; Align-GVGD: "Not Available". The proline amino acid residue is found in multiple mammalian species, which suggests that this missense change does not adversely affect protein function. In summary, the available evidence is currently insufficient to determine the role of this variant in disease. Therefore, it has been classified as a Variant of Uncertain Significance.

NM_001267727.2(ARSG):c.307A>C (p.Thr103Pro)

Gene: ARSG (arylsulfatase G; plus strand). Cytogenetic location: 17q24.2.
Variant type: single nucleotide variant.
Coding change: c.307A>C on transcript NM_001267727.2 (MANE Select); coding-DNA position 307, A replaced by C.
Protein change: p.Thr103Pro; replaces threonine 103 with proline.
Molecular consequence: missense variant.
Genome position (GRCh38, 1-based): chr17:68,343,692, A>C. VCF-style: chr17-68343692-A-C. GRCh37 (hg19) VCF-style: chr17-66339833-A-C.
Other names: c.307A>C, p.Thr103Pro (NM_001352899.2, NM_001352900.2, NM_001352901.2 and 9 more transcripts); short protein forms T103P.
Identifiers: ClinVar variation 1432266 (VCV001432266.7), dbSNP rs201521929, ClinGen allele CA8728161.